The following is an entry in ClinVar:

NM_001165963.4(SCN1A):c.4571del (p.Pro1524fs)

Genes: SCN1A (sodium voltage-gated channel alpha subunit 1; minus strand), LOC102724058 (uncharacterized LOC102724058; plus strand). Cytogenetic location: 2q24.3.
Variant type: Deletion.
Coding change: c.4571del on transcript NM_001165963.4 (MANE Select); coding-DNA position 4571, one base deleted (C; older notation c.4571delC).
Protein change: p.Pro1524fs; shifts the reading frame from proline 1524.
Molecular consequence: frameshift variant. On other transcripts: non-coding transcript variant (1).
Genome position (GRCh38, 1-based): chr2:165,996,023, G deleted on the plus strand (C on the coding strand, the reverse complement: SCN1A is on the minus strand); the first of 2 consecutive G bases (chr2:165,996,023-165,996,024); deleting either gives the same sequence. VCF-style (leftmost placement, unchanged base first): chr2-165996022-AG-A. GRCh37 (hg19) VCF-style: chr2-166852532-AG-A.
Other names: c.4487del, p.Pro1496fs (NM_001165964.3, NM_001353957.2, NM_001353958.2); c.4571del, p.Pro1524fs (NM_001202435.3, NM_001353948.2); c.4538del, p.Pro1513fs (NM_001353949.2, NM_001353950.2, NM_001353951.2 and 2 more transcripts); c.4535del, p.Pro1512fs (NM_001353954.2, NM_001353955.2); c.4484del, p.Pro1495fs (NM_001353960.2); c.2129del, p.Pro710fs (NM_001353961.2); short protein forms P1495fs, P1524fs, P710fs, P1496fs, P1512fs, P1513fs.
Identifiers: ClinVar variation 942525 (VCV000942525.8), dbSNP rs1689990205, ClinGen allele CA1139655700.
Genomic context (GRCh38, chr2:165,996,022, plus strand): 5'-TGCAAGTTTTTGTTTTTGTATTTTTCCCCCATATCATTTGATACTTCTTACTCCTGGTCG[AG>A]GTATAGGCTTTTGCGGTTTTTTCGATCCTAATTTTTTCATTGCATTATAGTATTTCTTCT-3'

ClinVar aggregate classification (germline): Pathogenic (1 of 4 stars; one submission).

Conditions:
Early-infantile DEE. Also called: Early infantile epileptic encephalopathy; Ohtahara syndrome; Early infantile epileptic encephalopathy with suppression bursts. Identifiers: Orphanet 1934, MedGen C0393706, MONDO:0800491.

Submission:

Labcorp Genetics (formerly Invitae), Labcorp
Classification: Pathogenic for Early-infantile DEE. Last evaluated: 2022-10-24. Review status: criteria provided, single submitter. Criteria: Invitae Variant Classification Sherloc (09022015). Collection method: clinical testing. Allele origin: germline.
Comment: For these reasons, this variant has been classified as Pathogenic. ClinVar contains an entry for this variant (Variation ID: 942525). This variant has not been reported in the literature in individuals affected with SCN1A-related conditions. This variant is not present in population databases (gnomAD no frequency). This sequence change creates a premature translational stop signal (p.Pro1524Leufs*15) in the SCN1A gene. It is expected to result in an absent or disrupted protein product. Loss-of-function variants in SCN1A are known to be pathogenic (PMID: 17347258, 18930999).

Literature cited by the submitters: PubMed 17347258; PubMed 18930999.